The following is an entry in ClinVar:

ClinVar aggregate classification (germline): Uncertain significance. Review status: criteria provided, multiple submitters, no conflicts (2 of 4 stars). 3 submissions from 3 submitters: Uncertain significance (3). Last evaluated 2024-11-11.

Conditions:
PDZD7-related disorder. Also called: PDZD7-related disorders; PDZD7-related condition.

Allele frequency attached by ClinVar (database versions not stated): gnomAD exomes below 0.00001; TOPMed below 0.00001; gnomAD 0.00001.
gnomAD v4.1: 3 of 1,613,600 alleles (0.00019%); highest among the groups gnomAD compares: Admixed American, 0.005%; no homozygotes.

Submissions (3):

PreventionGenetics, part of Exact Sciences
Classification: Uncertain significance for PDZD7-related condition. Last evaluated: 2024-11-11. Review status: criteria provided, single submitter. Criteria: ACMG Guidelines, 2015. Collection method: clinical testing. Allele origin: germline.
Comment: The PDZD7 c.185C>T variant is predicted to result in the amino acid substitution p.Ser62Leu. To our knowledge, this variant has not been reported in the literature. This variant is reported in 0.0029% of alleles in individuals of Latino descent in gnomAD. At this time, the clinical significance of this variant is uncertain due to the absence of conclusive functional and genetic evidence.

GeneDx
Classification: Uncertain significance. Last evaluated: 2023-07-27. Review status: criteria provided, single submitter. Criteria: GeneDx Variant Classification Process June 2021. Collection method: clinical testing. Allele origin: germline. Affected: yes.
Comment: Not observed at a significant frequency in large population cohorts (gnomAD); In silico analysis supports that this missense variant has a deleterious effect on protein structure/function; Has not been previously published as pathogenic or benign to our knowledge

Labcorp Genetics (formerly Invitae), Labcorp
Classification: Uncertain significance. Last evaluated: 2022-03-10. Review status: criteria provided, single submitter. Criteria: Invitae Variant Classification Sherloc (09022015). Collection method: clinical testing. Allele origin: germline.
Comment: This sequence change replaces serine, which is neutral and polar, with leucine, which is neutral and non-polar, at codon 62 of the PDZD7 protein (p.Ser62Leu). This variant is present in population databases (no rsID available, gnomAD 0.003%). This variant has not been reported in the literature in individuals affected with PDZD7-related conditions. ClinVar contains an entry for this variant (Variation ID: 958025). Algorithms developed to predict the effect of missense changes on protein structure and function are either unavailable or do not agree on the potential impact of this missense change (SIFT: "Deleterious"; PolyPhen-2: "Not Available"; Align-GVGD: "Class C65"). In summary, the available evidence is currently insufficient to determine the role of this variant in disease. Therefore, it has been classified as a Variant of Uncertain Significance.

NM_001195263.2(PDZD7):c.185C>T (p.Ser62Leu)

Gene: PDZD7 (PDZ domain containing 7; minus strand). Cytogenetic location: 10q24.31.
Variant type: single nucleotide variant.
Coding change: c.185C>T on transcript NM_001195263.2 (MANE Select); coding-DNA position 185, C replaced by T.
Protein change: p.Ser62Leu; replaces serine 62 with leucine.
Molecular consequence: missense variant.
Genome position (GRCh38, 1-based): chr10:101,030,035, G>A on the plus strand (C>T on the coding strand, the complement: PDZD7 is on the minus strand). VCF-style: chr10-101030035-G-A. GRCh37 (hg19) VCF-style: chr10-102789792-G-A.
Other names: c.185C>T, p.Ser62Leu (NM_001351044.2, NM_024895.5); short protein forms S62L.
Identifiers: ClinVar variation 958025 (VCV000958025.10), dbSNP rs1173857385, ClinGen allele CA378231233.